The following is an entry in ClinVar:

NM_001348716.2(KDM6B):c.1916A>C (p.Glu639Ala)

Gene: KDM6B (lysine demethylase 6B; plus strand). Cytogenetic location: 17p13.1.
Variant type: single nucleotide variant.
Coding change: c.1916A>C on transcript NM_001348716.2 (MANE Select); coding-DNA position 1916, A replaced by C.
Protein change: p.Glu639Ala; replaces glutamic acid 639 with alanine.
Molecular consequence: missense variant.
Genome position (GRCh38, 1-based): chr17:7,848,204, A>C. VCF-style: chr17-7848204-A-C. GRCh37 (hg19) VCF-style: chr17-7751522-A-C.
Other names: c.1916A>C, p.Glu639Ala (NM_001080424.2); short protein forms E639A.
Identifiers: ClinVar variation 4845329 (VCV004845329.2).

ClinVar aggregate classification (germline): Uncertain significance (1 of 4 stars; one submission).

Conditions:
Neurodevelopmental disorder with coarse facies and mild distal skeletal abnormalities. Also called: STOLERMAN NEURODEVELOPMENTAL SYNDROME. Identifiers: MedGen C5193134, MONDO:0032790, OMIM 618505.

Submission:

Victorian Clinical Genetics Services, Murdoch Childrens Research Institute
Classification: Uncertain significance for Neurodevelopmental disorder with coarse facies and mild distal skeletal abnormalities. Last evaluated: 2026-03-10. Review status: criteria provided, single submitter. Criteria: ACMG Guidelines, 2015. Collection method: clinical testing. Allele origin: germline. Affected: yes.
Comment: This variant is classified as VUS-3A. Evidence in support of pathogenic classification: Variant is absent from gnomAD (v2, v3 and v4); Additional information: Variant is predicted to result in a missense amino acid change from Glu to Ala; This variant is heterozygous; This gene is associated with autosomal dominant disease; Alternative amino acid change(s) at the same position are present in gnomAD (highest allele count: v4: 17 heterozygote(s), 0 homozygote(s)); This variant has no previous evidence of pathogenicity; No published evidence of segregation with disease has been identified for this variant; No published functional evidence has been identified for this variant; No comparable missense variants have previous evidence for pathogenicity; Variant is not located in an established domain, motif, hotspot or informative constraint region, and is not located near the downstream cluster of pathogenic/likely pathogenic missense variants. - Missense variant with inconclusive in silico prediction and/or uninformative conservation; Loss of function is a known mechanism of disease in this gene and is associated with Stolerman neurodevelopmental syndrome (MIM#618505).